The following is an entry in ClinVar:

NM_000169.3(GLA):c.1000-2A>G

Genes: GLA (galactosidase alpha; minus strand), RPL36A-HNRNPH2 (RPL36A-HNRNPH2 readthrough; plus strand). Cytogenetic location: Xq22.1.
Variant type: single nucleotide variant.
Coding change: c.1000-2A>G on transcript NM_000169.3 (MANE Select); the canonical splice acceptor site of the intron before coding-DNA position 1000, A replaced by G.
Molecular consequence: splice acceptor variant. On other transcripts: intron variant (2).
Genome position (GRCh38, 1-based): chrX:101,398,101, T>C on the plus strand (A>G on the coding strand, the complement: GLA is on the minus strand). VCF-style: chrX-101398101-T-C. GRCh37 (hg19) VCF-style: chrX-100653089-T-C.
Other names: NC_000023.10:g.100653089T>C; c.300+2644T>C (NM_001199973.2); c.177+6279T>C (NM_001199974.2); c.1123-2A>G (NM_001406747.1).
Identifiers: ClinVar variation 4087229 (VCV004087229.3).

ClinVar aggregate classification (germline): Pathogenic (1 of 4 stars; one submission).

Conditions:
Fabry disease. Also called: ALPHA-GALACTOSIDASE A DEFICIENCY; ANDERSON-FABRY DISEASE; CERAMIDE TRIHEXOSIDASE DEFICIENCY; GLA DEFICIENCY; HEREDITARY DYSTOPIC LIPIDOSIS; Angiokeratoma corporis diffusum. Identifiers: Orphanet 324, MedGen C0002986, MONDO:0010526, OMIM 301500, HP:0001071. Disease mechanism: Fabry disease is due to inactivating mutations in the X-linked GLA gene resulting in deficiency of the enzyme Alpha Galactosidase-A., loss of function.

gnomAD v4.1: 1 of 1,208,786 alleles (0.000083%); no homozygotes.

Submissions (2):

Genomenon, Inc
Classification: Pathogenic for Fabry disease. Last evaluated: 2026-09-08. Review status: criteria provided, single submitter. Criteria: Genomenon Sequence Variant Interpretation Standards - Updated. Collection method: curation. Allele origin: germline. Affected: yes.
Comment: GLA c.1000-2A>G is a canonical splice variant affecting the acceptor splice site of intron 6. It is predicted to affect mRNA splicing, leading to a deleterious effect on the GLA protein. This variant has been observed in at least one proband with clinical features consistent with Fabry disease (PMID:20022777). It is absent or not present at a significant frequency in gnomAD. In conclusion, we classify GLA c.1000-2A>G as a pathogenic variant.

Dr. Peter K. Rogan Lab, Western University
No classification provided (evidence only). Condition: Thyroid cancer, nonmedullary, 1. Review status: no classification provided. Collection method: in vitro. Allele origin: not applicable. Functional consequence: retained intron. Not counted in ClinVar's aggregate classification.

Literature cited by the submitters: PubMed 20022777 (cited by Genomenon, Inc).